The following is an entry in ClinVar:

NM_001463.4(FRZB):c.906T>C (p.Asp302=)

Gene: FRZB (frizzled related protein; minus strand). Cytogenetic location: 2q32.1.
Variant type: single nucleotide variant.
Coding change: c.906T>C on transcript NM_001463.4 (MANE Select); coding-DNA position 906, T replaced by C.
Protein change: p.Asp302=; no amino-acid change (aspartic acid 302 retained).
Molecular consequence: synonymous variant.
Genome position (GRCh38, 1-based): chr2:182,834,921, A>G on the plus strand (T>C on the coding strand, the complement: FRZB is on the minus strand). VCF-style: chr2-182834921-A-G. GRCh37 (hg19) VCF-style: chr2-183699648-A-G.
Identifiers: ClinVar variation 774292 (VCV000774292.21), dbSNP rs41270213, ClinGen allele CA2013886.

ClinVar aggregate classification (germline): Benign. Review status: criteria provided, multiple submitters, no conflicts (2 of 4 stars). 2 submissions from 2 submitters: Benign (2). Last evaluated 2024-07-01.

Allele frequency attached by ClinVar (database versions not stated): 1000 Genomes Project 30x 0.00265; 1000 Genomes Project 0.00280; gnomAD 0.00601 and 0.00628; TOPMed 0.00603; gnomAD exomes 0.00628 and 0.00995; ExAC 0.00657; ESP Exome Variant Server 0.00823.
gnomAD v4.1: 15,277 of 1,613,182 alleles (0.95%); highest among the groups gnomAD compares: Non-Finnish European, 1.2%; 94 homozygotes.

Submissions (2):

CeGaT Center for Human Genetics Tuebingen
Classification: Benign. Last evaluated: 2024-07-01. Review status: criteria provided, single submitter. Criteria: CeGaT Center For Human Genetics Tuebingen Variant Classification Criteria Version 2. Collection method: clinical testing. Allele origin: germline. Affected: yes. Observed: 1 variant allele.
Comment: FRZB: BP4, BP7, BS1, BS2

Labcorp Genetics (formerly Invitae), Labcorp
Classification: Benign. Last evaluated: 2018-07-20. Review status: criteria provided, single submitter. Criteria: Invitae Variant Classification Sherloc (09022015). Collection method: clinical testing. Allele origin: germline.